The following is an entry in ClinVar:

ClinVar aggregate classification (germline): Uncertain significance. Review status: criteria provided, multiple submitters, no conflicts (2 of 4 stars). 2 submissions from 2 submitters: Uncertain significance (2). Last evaluated 2024-10-08.

Conditions:
Inborn genetic diseases. Identifiers: MedGen C0950123, MeSH D030342.
Orofacial-digital syndrome IV (OFD4). Also called: BARAITSER-BURN SYNDROME; Orofaciodigital syndrome IV; OFD SYNDROME WITH TIBIAL DEFECTS; OFD SYNDROME, BARAITSER-BURN TYPE; OFDS IV; ORAL-FACIAL-DIGITAL SYNDROME, TYPE IV. Identifiers: Orphanet 2753, MedGen C0406727, MONDO:0009794, OMIM 258860.
Joubert syndrome 18 (JBTS18). Identifiers: Orphanet 2754, MedGen C3553758, MONDO:0013896, OMIM 614815.

Allele frequency attached by ClinVar (database versions not stated): ExAC 0.00002; gnomAD 0.00006 and 0.00007; gnomAD exomes 0.00006; TOPMed 0.00007.

Submissions (2):

Ambry Genetics
Classification: Uncertain significance for Inborn genetic diseases. Last evaluated: 2024-10-08. Review status: criteria provided, single submitter. Criteria: Ambry Variant Classification Scheme 2023. Collection method: clinical testing. Allele origin: germline.

Labcorp Genetics (formerly Invitae), Labcorp
Classification: Uncertain significance for Joubert syndrome 18; Orofacial-digital syndrome IV. Last evaluated: 2022-08-09. Review status: criteria provided, single submitter. Criteria: Invitae Variant Classification Sherloc (09022015). Collection method: clinical testing. Allele origin: germline.
Comment: This sequence change replaces arginine, which is basic and polar, with cysteine, which is neutral and slightly polar, at codon 257 of the TCTN3 protein (p.Arg257Cys). This variant is present in population databases (rs780304630, gnomAD 0.03%), including at least one homozygous and/or hemizygous individual. This variant has not been reported in the literature in individuals affected with TCTN3-related conditions. ClinVar contains an entry for this variant (Variation ID: 949481). Algorithms developed to predict the effect of missense changes on protein structure and function (SIFT, PolyPhen-2, Align-GVGD) all suggest that this variant is likely to be disruptive. Algorithms developed to predict the effect of sequence changes on RNA splicing suggest that this variant may create or strengthen a splice site. In summary, the available evidence is currently insufficient to determine the role of this variant in disease. Therefore, it has been classified as a Variant of Uncertain Significance.

NM_015631.6(TCTN3):c.769C>T (p.Arg257Cys)

Gene: TCTN3 (tectonic family member 3; minus strand). Cytogenetic location: 10q24.1.
Variant type: single nucleotide variant.
Coding change: c.769C>T on transcript NM_015631.6 (MANE Select); coding-DNA position 769, C replaced by T.
Protein change: p.Arg257Cys; replaces arginine 257 with cysteine.
Molecular consequence: missense variant.
Genome position (GRCh38, 1-based): chr10:95,687,127, G>A on the plus strand (C>T on the coding strand, the complement: TCTN3 is on the minus strand). VCF-style: chr10-95687127-G-A. GRCh37 (hg19) VCF-style: chr10-97446884-G-A.
Other names: c.532C>T, p.Arg178Cys (NM_001143973.2); short protein forms R178C, R257C.
Identifiers: ClinVar variation 949481 (VCV000949481.8), dbSNP rs780304630, ClinGen allele CA5621069.